The following is an entry in ClinVar:

ClinVar aggregate classification (germline): Likely benign (1 of 4 stars; one submission).

gnomAD v4.1: 2 of 1,614,118 alleles (0.00012%); highest among the groups gnomAD compares: Non-Finnish European, 0.00017%; no homozygotes.

Submission:

CeGaT Center for Human Genetics Tuebingen
Classification: Likely benign. Last evaluated: 2025-10-01. Review status: criteria provided, single submitter. Criteria: CeGaT Center For Human Genetics Tuebingen Variant Classification Criteria Version 2. Collection method: clinical testing. Allele origin: germline. Affected: yes. Observed: 1 variant allele.
Comment: FMN2: BP4, BP7

NM_020066.5(FMN2):c.2208T>C (p.His736=)

Gene: FMN2 (formin 2; plus strand). Cytogenetic location: 1q43.
Variant type: single nucleotide variant.
Coding change: c.2208T>C on transcript NM_020066.5 (MANE Select); coding-DNA position 2208, T replaced by C.
Protein change: p.His736=; no amino-acid change (histidine 736 retained).
Molecular consequence: synonymous variant. On other transcripts: intron variant (1).
Genome position (GRCh38, 1-based): chr1:240,207,020, T>C. VCF-style: chr1-240207020-T-C. GRCh37 (hg19) VCF-style: chr1-240370320-T-C.
Other names: c.2220T>C, p.His740= (NM_001305424.2); c.1986+18758T>C (NM_001348094.2).
Identifiers: ClinVar variation 4535030 (VCV004535030.6).
Genomic context (GRCh38, chr1:240,207,020, plus strand): 5'-AGCCTCAGGCGATGTCTGTCTCGAAGCTCTCAGGTTAGAAGAAAAGGAAGTACGGCATCA[T>C]AGGATTTTAGAGGCGAAATCGATACAGACTTCCCCCACGGAAGAGGGCGGGGTGCTGACA-3'
Protein context (NP_064450.3, residues 726-746): LRLEEKEVRH[His736=]RILEAKSIQT